The following is an entry in ClinVar:

NM_000143.4(FH):c.1237-50TC[15]

Gene: FH (fumarate hydratase; minus strand). Cytogenetic location: 1q43.
Variant type: Microsatellite.
Coding change: c.1237-50TC[15] on transcript NM_000143.4 (MANE Select); 15 copies in a row of the 2-base unit TC starting at c.1237-50; the reference has 19 copies in a row; four copies, 8 bases deleted.
Molecular consequence: intron variant.
Genome position (GRCh38, 1-based): chr1:241,500,603-241,500,610, GAGAGAGA deleted on the plus strand (TCTCTCTC on the coding strand, the reverse complement: FH is on the minus strand); deleting any 8 consecutive bases within chr1:241,500,603-241,500,640 gives the same sequence; the position shown is the placement nearest the transcript's 3' end. VCF-style (leftmost placement, unchanged base first): chr1-241500602-TGAGAGAGA-T. GRCh37 (hg19) VCF-style: chr1-241663902-TGAGAGAGA-T.
Other names: c.1237-20_1237-13delTCTCTCTC (NM_000143.4, NM_000143.3).
Identifiers: ClinVar variation 1336271 (VCV001336271.15), dbSNP rs144131869, ClinGen allele CA733679888.

ClinVar aggregate classification (germline): Conflicting classifications of pathogenicity. Review status: criteria provided, conflicting classifications (1 of 4 stars). 6 submissions from 6 submitters: Uncertain significance (1); Likely benign (4). 1 of the submissions does not count toward it. Last evaluated 2025-03-04.

Conditions:
Hereditary leiomyomatosis and renal cell cancer. Also called: Familial leiomyomatosis; MULTIPLE CUTANEOUS AND UTERINE LEIOMYOMATA 1, WITH OR WITHOUT RENAL CELL CARCINOMA; LEIOMYOMA, MULTIPLE CUTANEOUS; FH tumor predisposition syndrome; Reed syndrome; Multiple cutaneous and uterine leiomyomatosis. Identifiers: Orphanet 523, MedGen C1708350, MONDO:0007888, OMIM 150800, HP:0007437. Disease mechanism: loss of function.
FH-related disorder. Also called: FH-related disorders; FH-related condition.
Hereditary cancer-predisposing syndrome. Also called: Tumor predisposition; Neoplastic Syndromes, Hereditary; Hereditary Cancer Syndrome; Hereditary neoplastic syndrome. Identifiers: Orphanet 140162, MedGen C0027672, MeSH D009386, MONDO:0015356.

Submissions (6):

Center for Genomic Medicine, Rigshospitalet, Copenhagen University Hospital
Classification: Likely benign. Last evaluated: 2025-03-04. Review status: criteria provided, single submitter. Criteria: ACMG Guidelines, 2015. Collection method: clinical testing. Allele origin: germline.

Blueprint Genetics
Classification: Likely benign. Last evaluated: 2024-06-24. Review status: criteria provided, single submitter. Criteria: ACMG Guidelines, 2015. Collection method: clinical testing. Allele origin: germline.

Department of Pathology and Laboratory Medicine, Sinai Health System
Classification: Likely benign for hereditary leiomyomatosis and renal cell cancer. Last evaluated: 2024-01-04. Review status: criteria provided, single submitter. Criteria: ACMG Guidelines, 2015. Collection method: clinical testing. Allele origin: germline.

Sema4
Classification: Likely benign for Hereditary cancer-predisposing syndrome. Last evaluated: 2021-03-27. Review status: criteria provided, single submitter. Criteria: Sema4 Curation Guidelines. Collection method: curation. Allele origin: germline.

Genetic Services Laboratory, University of Chicago
Classification: Uncertain significance. Last evaluated: 2019-12-20. Review status: criteria provided, single submitter. Criteria: ACMG Guidelines, 2015. Collection method: clinical testing. Allele origin: germline. Affected: no.
Comment: DNA sequence analysis of the FH gene demonstrated a sequence change in intron 8, c.1237-20_1237-13del. This change does not appear to have been previously described in patients with FH-related disorders and has also not been described in population databases (gnomAD, ExAC). This sequence change is not clearly predicted to have a deleterious effect on splicing based on in silico splice prediction programs. It is possible that this sequence change represents a benign sequence change in the FH gene that has not been identified to date. The functional significance of this sequence change is not known at present and its contribution to the disease phenotype cannot definitively be determined.

PreventionGenetics, part of Exact Sciences
Classification: Likely benign for FH-related condition. Last evaluated: 2021-10-05. Review status: no assertion criteria provided. Collection method: clinical testing. Allele origin: germline. Not counted in ClinVar's aggregate classification.
Comment: This variant is classified as likely benign based on ACMG/AMP sequence variant interpretation guidelines (Richards et al. 2015 PMID: 25741868, with internal and published modifications).